The following is an entry in ClinVar:

ClinVar aggregate classification (germline): Uncertain significance (1 of 4 stars; one submission).

gnomAD v4.1: 23 of 1,594,966 alleles (0.0014%); highest among the groups gnomAD compares: South Asian, 0.0022%; no homozygotes.

Submission:

Labcorp Genetics (formerly Invitae), Labcorp
Classification: Uncertain significance. Last evaluated: 2025-07-30. Review status: criteria provided, single submitter. Criteria: Invitae Variant Classification Sherloc (09022015). Collection method: clinical testing. Allele origin: germline.
Comment: This sequence change replaces arginine, which is basic and polar, with glutamine, which is neutral and polar, at codon 702 of the POLR3B protein (p.Arg702Gln). This variant is present in population databases (no rsID available, gnomAD 0.02%). This variant has not been reported in the literature in individuals affected with POLR3B-related conditions. Invitae Evidence Modeling of protein sequence and biophysical properties (such as structural, functional, and spatial information, amino acid conservation, physicochemical variation, residue mobility, and thermodynamic stability) indicates that this missense variant is not expected to disrupt POLR3B protein function with a negative predictive value of 80%. In summary, the available evidence is currently insufficient to determine the role of this variant in disease. Therefore, it has been classified as a Variant of Uncertain Significance.

NM_018082.6(POLR3B):c.2105G>A (p.Arg702Gln)

Gene: POLR3B (RNA polymerase III subunit B; plus strand). Cytogenetic location: 12q23.3.
Variant type: single nucleotide variant.
Coding change: c.2105G>A on transcript NM_018082.6 (MANE Select); coding-DNA position 2105, G replaced by A.
Protein change: p.Arg702Gln; replaces arginine 702 with glutamine.
Molecular consequence: missense variant.
Genome position (GRCh38, 1-based): chr12:106,454,523, G>A. VCF-style: chr12-106454523-G-A. GRCh37 (hg19) VCF-style: chr12-106848301-G-A.
Other names: c.1931G>A, p.Arg644Gln (NM_001160708.2); short protein forms R644Q, R702Q.
Identifiers: ClinVar variation 4694570 (VCV004694570.1).